The following is an entry in ClinVar:

ClinVar aggregate classification (germline): Uncertain significance (1 of 4 stars; one submission).

gnomAD v4.1: 5 of 1,602,394 alleles (0.00031%); highest among the groups gnomAD compares: South Asian, 0.0011%; no homozygotes.

Submission:

CeGaT Center for Human Genetics Tuebingen
Classification: Uncertain significance. Last evaluated: 2024-03-01. Review status: criteria provided, single submitter. Criteria: CeGaT Center For Human Genetics Tuebingen Variant Classification Criteria Version 2. Collection method: clinical testing. Allele origin: germline. Affected: yes. Observed: 1 variant allele.
Comment: LTBP1: PM2, BP4

NM_206943.4(LTBP1):c.2407C>A (p.Pro803Thr)

Gene: LTBP1 (latent transforming growth factor beta binding protein 1; plus strand). Cytogenetic location: 2p22.3.
Variant type: single nucleotide variant.
Coding change: c.2407C>A on transcript NM_206943.4 (MANE Select); coding-DNA position 2407, C replaced by A.
Protein change: p.Pro803Thr; replaces proline 803 with threonine.
Molecular consequence: missense variant.
Genome position (GRCh38, 1-based): chr2:33,259,599, C>A. VCF-style: chr2-33259599-C-A. GRCh37 (hg19) VCF-style: chr2-33484666-C-A.
Other names: c.1429C>A, p.Pro477Thr (NM_000627.4, NM_001166264.2, NM_001394906.1 and 8 more transcripts); c.1270C>A, p.Pro424Thr (NM_001166265.2, NM_001166266.2, NM_001394913.1 and 7 more transcripts); c.2248C>A, p.Pro750Thr (NM_001394905.1); c.1345C>A, p.Pro449Thr (NM_001394907.1, NM_001394914.1, NM_001394915.1); c.1186C>A, p.Pro396Thr (NM_001394916.1); short protein forms P396T, P424T, P449T, P477T, P750T, P803T.
Identifiers: ClinVar variation 3067456 (VCV003067456.21), dbSNP rs61754245, ClinGen allele CA346553454.